The following is an entry in ClinVar:

NM_006231.4(POLE):c.4907A>G (p.Tyr1636Cys)

Gene: POLE (DNA polymerase epsilon, catalytic subunit; minus strand). Cytogenetic location: 12q24.33.
Variant type: single nucleotide variant.
Coding change: c.4907A>G on transcript NM_006231.4 (MANE Select); coding-DNA position 4907, A replaced by G.
Protein change: p.Tyr1636Cys; replaces tyrosine 1636 with cysteine.
Molecular consequence: missense variant.
Genome position (GRCh38, 1-based): chr12:132,642,551, T>C on the plus strand (A>G on the coding strand, the complement: POLE is on the minus strand). VCF-style: chr12-132642551-T-C. GRCh37 (hg19) VCF-style: chr12-133219137-T-C.
Other names: short protein forms Y1636C.
Identifiers: ClinVar variation 2105841 (VCV002105841.4), dbSNP rs1555222562, ClinGen allele CA387377953.
Genomic context (GRCh38, chr12:132,642,551, plus strand): 5'-CAGTACTGTGCTCACCTGCTCATCTCGAAGGCCTGCGACAGGCAGGTGTCCAGGTTGAGG[T>C]AGTGACGGATCATGCGCCGGGCTCCATGGCGCTGCCAGTCCAGGACCCCATAGTTGATCT-3'
Protein context (NP_006222.2, residues 1626-1646): RHGARRMIRH[Tyr1636Cys]LNLDTCLSQA

ClinVar aggregate classification (germline): Uncertain significance (1 of 4 stars; one submission).

Submission:

Labcorp Genetics (formerly Invitae), Labcorp
Classification: Uncertain significance. Last evaluated: 2023-07-14. Review status: criteria provided, single submitter. Criteria: Invitae Variant Classification Sherloc (09022015). Collection method: clinical testing. Allele origin: germline.
Comment: ClinVar contains an entry for this variant (Variation ID: 2105841). This sequence change replaces tyrosine, which is neutral and polar, with cysteine, which is neutral and slightly polar, at codon 1636 of the POLE protein (p.Tyr1636Cys). This variant is not present in population databases (gnomAD no frequency). This variant has not been reported in the literature in individuals affected with POLE-related conditions. Advanced modeling of protein sequence and biophysical properties (such as structural, functional, and spatial information, amino acid conservation, physicochemical variation, residue mobility, and thermodynamic stability) performed at Invitae indicates that this missense variant is not expected to disrupt POLE protein function. In summary, the available evidence is currently insufficient to determine the role of this variant in disease. Therefore, it has been classified as a Variant of Uncertain Significance.